The following is an entry in ClinVar:

NM_021120.4(DLG3):c.159del (p.Tyr54fs)

Gene: DLG3 (discs large MAGUK scaffold protein 3; plus strand). Cytogenetic location: Xq13.1.
Variant type: Deletion.
Coding change: c.159del on transcript NM_021120.4 (MANE Select); coding-DNA position 159, one base deleted (C; older notation c.159delC).
Protein change: p.Tyr54fs; shifts the reading frame from tyrosine 54.
Molecular consequence: frameshift variant.
Genome position (GRCh38, 1-based): chrX:70,445,360, C deleted. VCF-style (leftmost placement, unchanged base first): chrX-70445359-GC-G. GRCh37 (hg19) VCF-style: chrX-69665209-GC-G.
Other names: short protein forms Y54fs.
Identifiers: ClinVar variation 817679 (VCV000817679.5), dbSNP rs1602857000, ClinGen allele CA915951287.
Genomic context (GRCh38, chrX:70,445,359, plus strand): 5'-GGCAAGTCCCCGACCCTTACGGGCCAGGTGGGGGCAACGGCGCCAGCGCGGGTTATGGGG[GC>G]TACAGCTCGCAGACCTTGCCCTCGCAGGCGGGGGCCACCCCCACCCCTCGCACCAAGGCC-3'

ClinVar aggregate classification (germline): Pathogenic/Likely pathogenic. Review status: criteria provided, multiple submitters, no conflicts (2 of 4 stars). 2 submissions from 2 submitters: Pathogenic (1); Likely pathogenic (1). Last evaluated 2022-12-16.

Conditions:
Intellectual developmental disorder, X-linked 90. Also called: DLG3-Related X-Linked Nonsyndromic Mental Retardation; Intellectual disability, X-linked 90. Identifiers: Orphanet 777, MedGen C3275443, MONDO:0010452, OMIM 300850.

Submissions (2):

Greenwood Genetic Center Diagnostic Laboratories, Greenwood Genetic Center
Classification: Likely pathogenic for Intellectual developmental disorder, X-linked 90. Last evaluated: 2022-12-16. Review status: criteria provided, single submitter. Criteria: ACMG Guidelines, 2015. Collection method: clinical testing. Allele origin: germline. Affected: yes.
Comment: PVS1, PM2

GeneDx
Classification: Pathogenic. Last evaluated: 2018-06-12. Review status: criteria provided, single submitter. Criteria: GeneDx Variant Classification (06012015). Collection method: clinical testing. Allele origin: germline. Affected: yes.
Comment: The c.159delC variant in the DLG3 gene has not been reported previously as a pathogenic variant nor as a benign variant, to our knowledge. The c.159delC variant causes a frameshift starting with codon Tyrosine 54, changes this amino acid to a Threonine residue, and creates a premature Stop codon at position 67 of the new reading frame, denoted p.Tyr54ThrfsX67. This variant is predicted to cause loss of normal protein function either through protein truncation or nonsense-mediated mRNA decay. The c.159delC variant is not observed in large population cohorts (Lek et al., 2016). We interpret c.159delC as a pathogenic variant.